The following is an entry in ClinVar:

NM_000492.4(CFTR):c.307G>T (p.Gly103Ter)

Gene: CFTR (CF transmembrane conductance regulator; plus strand). Cytogenetic location: 7q31.2.
Variant type: single nucleotide variant.
Coding change: c.307G>T on transcript NM_000492.4 (MANE Select); coding-DNA position 307, G replaced by T.
Protein change: p.Gly103Ter; replaces glycine 103 with a stop codon.
Molecular consequence: nonsense.
Genome position (GRCh38, 1-based): chr7:117,530,932, G>T. VCF-style: chr7-117530932-G-T. GRCh37 (hg19) VCF-style: chr7-117170986-G-T.
Other names: short protein forms G103*.
Identifiers: ClinVar variation 1353073 (VCV001353073.9), dbSNP rs1584784895, ClinGen allele CA368974303.

ClinVar aggregate classification (germline): Pathogenic. Review status: criteria provided, multiple submitters, no conflicts (2 of 4 stars). 3 submissions from 3 submitters: Pathogenic (3). Last evaluated 2025-08-05.

Conditions:
Cystic fibrosis (CF). Also called: MUCOVISCIDOSIS. Identifiers: Orphanet 586, MedGen C0010674, MONDO:0009061, OMIM 219700. Disease mechanism: loss of function.
CFTR-related disorder (CFTR-RD). Also called: CFTR-related disorders; CFTR-related condition. Identifiers: MedGen C5924204, MONDO:7770004.

Submissions (3):

Natera, Inc.
Classification: Pathogenic for CFTR-related disorders. Last evaluated: 2025-08-05. Review status: criteria provided, single submitter. Criteria: Natera Variant Classification Schema (03/2026). Collection method: clinical testing. Allele origin: germline.
Comment: The c.307G>T variant in CFTR is a nonsense variant predicted to introduce a stop codon at amino acid 103. This variant is expected to result in nonsense mediated decay, truncation, or a dysfunctional protein product. This variant is rare in the general population with a frequency below the threshold expected for the associated phenotype(s). This variant has been observed in one or more individuals affected with the associated recessive disease, as either homozygous or compound heterozygous with a second variant (PMID: 33544657, 7845290). Given the available evidence, this variant is classified as Pathogenic.

Labcorp Genetics (formerly Invitae), Labcorp
Classification: Pathogenic for Cystic fibrosis. Last evaluated: 2021-07-08. Review status: criteria provided, single submitter. Criteria: Invitae Variant Classification Sherloc (09022015). Collection method: clinical testing. Allele origin: germline.
Comment: This sequence change creates a premature translational stop signal (p.Gly103*) in the CFTR gene. It is expected to result in an absent or disrupted protein product. Loss-of-function variants in CFTR are known to be pathogenic (PMID: 1695717, 7691345, 9725922). This variant is not present in population databases (ExAC no frequency). This variant has not been reported in the literature in individuals with CFTR-related conditions. For these reasons, this variant has been classified as Pathogenic.

Ambry Genetics
Classification: Pathogenic for Cystic fibrosis. Last evaluated: 2019-11-27. Review status: criteria provided, single submitter. Criteria: Ambry Variant Classification Scheme 2023. Collection method: clinical testing. Allele origin: germline.
Comment: The p.G103* pathogenic mutation (also known as c.307G>T), located in coding exon 4 of the CFTR gene, results from a G to T substitution at nucleotide position 307. This changes the amino acid from a glycine to a stop codon within coding exon 4. This alteration is expected to result in loss of function by premature protein truncation or nonsense-mediated mRNA decay. As such, this alteration is interpreted as a disease-causing mutation.

Literature cited by the submitters: PubMed 33544657 (cited by Natera, Inc.); PubMed 7845290 (cited by Natera, Inc.); PubMed 1695717 (cited by Labcorp Genetics (formerly Invitae), Labcorp); PubMed 7691345 (cited by Labcorp Genetics (formerly Invitae), Labcorp); PubMed 9725922 (cited by Labcorp Genetics (formerly Invitae), Labcorp).